The following is an entry in ClinVar:

ClinVar aggregate classification (germline): Uncertain significance. Review status: criteria provided, multiple submitters, no conflicts (2 of 4 stars). 3 submissions from 3 submitters: Uncertain significance (3). Last evaluated 2025-12-01.

Conditions:
Inborn genetic diseases. Identifiers: MedGen C0950123, MeSH D030342.
Dermatofibrosis lenticularis disseminata (BOS). Also called: OSTEOPATHIA CONDENSANS DISSEMINATA; DERMATOFIBROSIS LENTICULARIS DISSEMINATA WITH OSTEOPOIKILOSIS; DERMATOOSTEOPOIKILOSIS. Identifiers: Orphanet 1306, MedGen C0265514, MONDO:0008157, OMIM 166700.

Allele frequency attached by ClinVar (database versions not stated): ExAC 0.00003; gnomAD exomes 0.00006 and 0.00013; TOPMed 0.00008; gnomAD 0.00011; ESP Exome Variant Server 0.00015.
gnomAD v4.1: 199 of 1,613,908 alleles (0.012%); highest among the groups gnomAD compares: Middle Eastern, 0.016%; no homozygotes.

Submissions (3):

Labcorp Genetics (formerly Invitae), Labcorp
Classification: Uncertain significance. Last evaluated: 2025-12-01. Review status: criteria provided, single submitter. Criteria: Invitae Variant Classification Sherloc (09022015). Collection method: clinical testing. Allele origin: germline.
Comment: This sequence change replaces aspartic acid, which is acidic and polar, with asparagine, which is neutral and polar, at codon 755 of the LEMD3 protein (p.Asp755Asn). This variant is present in population databases (rs142542896, gnomAD 0.01%). This variant has not been reported in the literature in individuals affected with LEMD3-related conditions. ClinVar contains an entry for this variant (Variation ID: 1040695). Invitae Evidence Modeling of protein sequence and biophysical properties (such as structural, functional, and spatial information, amino acid conservation, physicochemical variation, residue mobility, and thermodynamic stability) indicates that this missense variant is not expected to disrupt LEMD3 protein function with a negative predictive value of 80%. In summary, the available evidence is currently insufficient to determine the role of this variant in disease. Therefore, it has been classified as a Variant of Uncertain Significance.

Ambry Genetics
Classification: Uncertain significance for Inborn genetic diseases. Last evaluated: 2025-06-26. Review status: criteria provided, single submitter. Criteria: Ambry Variant Classification Scheme 2023. Collection method: clinical testing. Allele origin: germline.

Revvity Omics, Revvity
Classification: Uncertain significance for Dermatofibrosis lenticularis disseminata. Last evaluated: 2020-07-06. Review status: criteria provided, single submitter. Criteria: ACMG Guidelines, 2015. Collection method: clinical testing. Allele origin: germline.

NM_014319.5(LEMD3):c.2263G>A (p.Asp755Asn)

Gene: LEMD3 (LEM domain containing 3; plus strand). Cytogenetic location: 12q14.3.
Variant type: single nucleotide variant.
Coding change: c.2263G>A on transcript NM_014319.5 (MANE Select); coding-DNA position 2263, G replaced by A.
Protein change: p.Asp755Asn; replaces aspartic acid 755 with asparagine.
Molecular consequence: missense variant.
Genome position (GRCh38, 1-based): chr12:65,241,045, G>A. VCF-style: chr12-65241045-G-A. GRCh37 (hg19) VCF-style: chr12-65634825-G-A.
Other names: c.2260G>A, p.Asp754Asn (NM_001167614.2); c.2263G>A (NM_014319.4); short protein forms D754N, D755N.
Identifiers: ClinVar variation 1040695 (VCV001040695.11), dbSNP rs142542896, ClinGen allele CA6671173.
Genomic context (GRCh38, chr12:65,241,045, plus strand): 5'-CGAAGAATAGGTGGTGCAGATTTTCTGGTTTGGCGGTGGATCCAGCCTTCTGCATCCTGT[G>A]ACAAAATATTAGTTATACCTTCTAAAGTATGGCAAGGTCAAGGTATGTATTTTTAAACAT-3'
Protein context (NP_055134.2, residues 745-765): WRWIQPSASC[Asp755Asn]KILVIPSKVW